The following is an entry in ClinVar:

ClinVar aggregate classification (germline): Pathogenic (1 of 4 stars; one submission).

Conditions:
Inborn genetic diseases. Identifiers: MedGen C0950123, MeSH D030342.

Submission:

Ambry Genetics
Classification: Pathogenic for Inborn genetic diseases. Last evaluated: 2025-12-31. Review status: criteria provided, single submitter. Criteria: Ambry Variant Classification Scheme 2023. Collection method: clinical testing. Allele origin: germline.
Comment: The c.4419G>A (p.W1473*) alteration, located in exon 16 (coding exon 16) of the KMT2D gene, consists of a G to A substitution at nucleotide position 4419. This changes the amino acid from a tryptophan (W) to a stop codon at amino acid position 1473. This alteration is expected to result in loss of function by premature protein truncation or nonsense-mediated mRNA decay. This variant was not reported in population-based cohorts in the Genome Aggregation Database (gnomAD). This variant was reported in individual(s) with features consistent with KMT2D-related Kabuki syndrome (Micale, 2011). Based on the available evidence, this alteration is classified as pathogenic.

Literature cited by the submitters: PubMed 21658225.

NM_003482.4(KMT2D):c.4419G>A (p.Trp1473Ter)

Gene: KMT2D (lysine methyltransferase 2D; minus strand). Cytogenetic location: 12q13.12.
Variant type: single nucleotide variant.
Coding change: c.4419G>A on transcript NM_003482.4 (MANE Select); coding-DNA position 4419, G replaced by A.
Protein change: p.Trp1473Ter; replaces tryptophan 1473 with a stop codon.
Molecular consequence: nonsense.
Genome position (GRCh38, 1-based): chr12:49,046,424, C>T on the plus strand (G>A on the coding strand, the complement: KMT2D is on the minus strand). VCF-style: chr12-49046424-C-T. GRCh37 (hg19) VCF-style: chr12-49440207-C-T.
Other names: short protein forms W1473*.
Identifiers: ClinVar variation 4833039 (VCV004833039.1).